The following is an entry in ClinVar:

NM_024417.5(FDXR):c.1127A>G (p.Lys376Arg)

Gene: FDXR (ferredoxin reductase; minus strand). Cytogenetic location: 17q25.1.
Variant type: single nucleotide variant.
Coding change: c.1127A>G on transcript NM_024417.5 (MANE Select); coding-DNA position 1127, A replaced by G.
Protein change: p.Lys376Arg; replaces lysine 376 with arginine.
Molecular consequence: missense variant. On other transcripts: non-coding transcript variant (1).
Genome position (GRCh38, 1-based): chr17:74,863,943, T>C on the plus strand (A>G on the coding strand, the complement: FDXR is on the minus strand). VCF-style: chr17-74863943-T-C. GRCh37 (hg19) VCF-style: chr17-72860065-T-C.
Other names: NC_000017.10:g.72860065T>C; p.Lys376Arg; c.1256A>G, p.Lys419Arg (NM_001258012.4); c.1220A>G, p.Lys407Arg (NM_001258013.4); c.1103A>G, p.Lys368Arg (NM_001258014.4); c.1007A>G, p.Lys336Arg (NM_001258015.3); c.971A>G, p.Lys324Arg (NM_001258016.3); c.1145A>G, p.Lys382Arg (NM_004110.6); and 1 more; short protein forms K376R, K382R, K324R, K336R, K407R, K368R, K419R.
Identifiers: ClinVar variation 4426728 (VCV004426728.4).
Genomic context (GRCh38, chr17:74,863,943, plus strand): 5'-CACACCCTCTCACCTGGCACATCCATAACCCGGCCCTCCACATTGGGGATGACCCCAAGC[T>C]TGGAGTCAAAGGGCACGCTTGGGTCGACAGGGCGGCTCTTATACCCAATGCTGCTGAGCA-3'
Protein context (NP_077728.3, residues 366-386): PVDPSVPFDS[Lys376Arg]LGVIPNVEGR

ClinVar aggregate classification (germline): Likely benign. Review status: criteria provided, multiple submitters, no conflicts (2 of 4 stars). 3 submissions from 3 submitters: Likely benign (3). Last evaluated 2026-01-25.

Conditions:
FDXR-related disorder. Also called: FDXR-related condition; FDXR-related disorders.

gnomAD v4.1: 264 of 1,614,016 alleles (0.016%); highest among the groups gnomAD compares: African/African-American, 0.24%; no homozygotes.

Submissions (4):

PreventionGenetics, part of Exact Sciences
Classification: Likely benign for FDXR-related condition. Last evaluated: 2026-01-25. Review status: criteria provided, single submitter. Criteria: ACMG Guidelines, 2015. Collection method: clinical testing. Allele origin: germline.
Comment: This variant is classified as likely benign based on ACMG/AMP sequence variant interpretation guidelines (Richards et al. 2015 PMID: 25741868, with internal and published modifications).

Mayo Clinic Laboratories, Mayo Clinic
Classification: Likely benign. Last evaluated: 2025-02-11. Review status: criteria provided, single submitter. Criteria: ACMG Guidelines, 2015. Collection method: clinical testing. Allele origin: germline. Observed: 1 variant allele.
Comment: BS1, BP4_moderate

Blueprint Genetics
Classification: Likely benign. Last evaluated: 2024-07-02. Review status: criteria provided, single submitter. Criteria: ACMG Guidelines, 2015. Collection method: clinical testing. Allele origin: germline.

Dr. Peter K. Rogan Lab, Western University
No classification provided (evidence only). Condition: Cervical cancer. Review status: no classification provided. Collection method: in vitro. Allele origin: not applicable. Functional consequence: skipped exon. Not counted in ClinVar's aggregate classification.